The following is an entry in ClinVar:

NM_201253.3(CRB1):c.2677-403C>G

Gene: CRB1 (crumbs cell polarity complex component 1; plus strand). Cytogenetic location: 1q31.3.
Variant type: single nucleotide variant.
Coding change: c.2677-403C>G on transcript NM_201253.3 (MANE Select); 403 bases into the intron before coding-DNA position 2677, C replaced by G.
Molecular consequence: intron variant. On other transcripts: missense variant (1).
Genome position (GRCh38, 1-based): chr1:197,429,046, C>G. VCF-style: chr1-197429046-C-G. GRCh37 (hg19) VCF-style: chr1-197398176-C-G.
Other names: c.2542C>G (NM_001257965.1); c.2542C>G, p.Arg848Gly (NM_001257965.2); c.2129-6554C>G (NM_001257966.2); c.2341-403C>G (NM_001193640.2); short protein forms R848G.
Identifiers: ClinVar variation 4926881 (VCV004926881.2).

ClinVar aggregate classification (germline): Uncertain significance. Review status: criteria provided, multiple submitters, no conflicts (2 of 4 stars). 2 submissions from 2 submitters: Uncertain significance (2). Last evaluated 2024-12-27.

Conditions:
CRB1-related disorder. Also called: CRB1-related condition; CRB1-related disorders.

gnomAD v4.1: 61 of 1,493,002 alleles (0.0041%); highest among the groups gnomAD compares: South Asian, 0.062%; no homozygotes.

Submissions (2):

PreventionGenetics, part of Exact Sciences
Classification: Uncertain significance for CRB1-related condition. Last evaluated: 2024-12-27. Review status: criteria provided, single submitter. Criteria: ACMG Guidelines, 2015. Collection method: clinical testing. Allele origin: germline.
Comment: The CRB1 c.2542C>G variant is predicted to result in the amino acid substitution p.Arg848Gly. To our knowledge, this variant has not been reported in the literature. This variant is reported in 0.045% of alleles in individuals of South Asian descent in gnomAD. At this time, the clinical significance of this variant is uncertain due to the absence of conclusive functional and genetic evidence.

Blueprint Genetics
Classification: Uncertain significance. Last evaluated: 2024-04-04. Review status: criteria provided, single submitter. Criteria: ACMG Guidelines, 2015. Collection method: clinical testing. Allele origin: germline.